The following is an entry in ClinVar:

ClinVar aggregate classification (germline): Pathogenic/Likely pathogenic. Review status: criteria provided, multiple submitters, no conflicts (2 of 4 stars). 5 submissions from 5 submitters: Pathogenic (2); Likely pathogenic (2). 1 of the submissions does not count toward it. Last evaluated 2025-10-20.

Conditions:
Inborn genetic diseases. Identifiers: MedGen C0950123, MeSH D030342.
Spastic paraplegia. Identifiers: MedGen C0037772, HP:0001258.
Neurodevelopmental disorder with progressive spasticity and brain white matter abnormalities. Also called: CEREBRAL PALSY, SPASTIC QUADRIPLEGIC, 1. Identifiers: Orphanet 210141, Orphanet 641353, MedGen C5436628, MONDO:0033613, OMIM 619026.

Allele frequency attached by ClinVar (database versions not stated): gnomAD exomes 0.00003; ExAC 0.00004.

Submissions (5):

Dr. Oladnabi Research Group, Golestan University of Medical Sciences
Classification: Likely pathogenic for Neurodevelopmental disorder with progressive spasticity and brain white matter abnormalities. Last evaluated: 2025-10-20. Review status: criteria provided, single submitter. Criteria: ACMG Guidelines, 2015. Collection method: research. Allele origin: germline. Inheritance: Autosomal recessive inheritance. Affected: yes.
Comment: The HPDL variant (NM_032756.4:c.3G>C) affects the initiation codon (ATG) of the gene, likely abolishing normal translation initiation and resulting in loss of protein production. This loss-of-function effect is consistent with the established pathogenic mechanism of HPDL, in which biallelic null variants cause severe neurodevelopmental phenotypes. According to the ACMG guidelines, this variant is classified as likely pathogenic, supported by PVS1 (Very Strong)—a predicted null variant disrupting the initiation codon in a gene where loss of function is a known disease mechanism—PM2 (Moderate)—absent or extremely rare in large population databases such as gnomAD—PM3 (Moderate)—identified in the homozygous state in an affected individual with an autosomal recessive disorder—and PP5 (Supporting)—reported as likely pathogenic in a reputable clinical database.

3billion
Classification: Likely pathogenic for Neurodevelopmental disorder with progressive spasticity and brain white matter abnormalities. Last evaluated: 2023-10-20. Review status: criteria provided, single submitter. Criteria: ACMG Guidelines, 2015. Collection method: clinical testing. Allele origin: germline. Affected: yes.
Comment: The variant is observed at an extremely low frequency in the gnomAD v2.1.1 dataset (total allele frequency: 0.003%). Predicted Consequence/Location: Start-lost: reinitiation of translation may occur at a downstream alternate start codon but still result in a loss or disruption of normal protein function as there have been pathogenic variants reported upstream of the alternate start codon. The variant has been reported to be in trans with a pathogenic variant as either compound heterozygous or homozygous in at least one similarly affected unrelated individual (PMID: 33970200).The variant has been reported to co-segregate with the disease in at least one similarly affected relative/individual in the same family or similarly affected unrelated family (PMID: 33970200).The variant has been reported to be associated with HPDL related disorder (ClinVar ID: VCV001344855 /PMID: 33970200). Therefore, this variant is classified as Likely pathogenic according to the recommendation of ACMG/AMP guideline.

Baylor Genetics
Classification: Pathogenic for Neurodevelopmental disorder with progressive spasticity and brain white matter abnormalities. Last evaluated: 2023-09-20. Review status: criteria provided, single submitter. Criteria: ACMG Guidelines, 2015. Collection method: clinical testing. Allele origin: unknown.

Ambry Genetics
Classification: Pathogenic for Inborn genetic diseases. Last evaluated: 2021-09-10. Review status: criteria provided, single submitter. Criteria: Ambry Variant Classification Scheme 2023. Collection method: clinical testing. Allele origin: germline.
Comment: The c.3G>C (p.M1?) alteration is located in exon 1 of the HPDL gene and results from a G to C substitution at nucleotide position 1. This alters the methionine residue at the initiation codon (ATG). Sequence variations that modify the initiation codon are expected to result in either loss of translation initiation, N-terminal truncation, or cause a shift in the mRNA reading frame. Based on data from gnomAD, the C allele has an overall frequency of 0.003% (6/202,546) total alleles studied. The highest observed frequency was 0.03% (6/22,658) of South Asian alleles. This alteration has been reported homozygous in an infant with global developmental delay, upper and lower limb pyramidal signs, spasticity, weakness, contractures, seizures, encephalopathic episodes, and an abnormal brain MRI (Wiessner, 2021). This amino acid position is highly conserved in available vertebrate species. The in silico prediction for this alteration is inconclusive. Based on the available evidence, this alteration is classified as pathogenic.

Yale Center for Mendelian Genomics, Yale University
Classification: Likely pathogenic for Spastic paraplegia. Last evaluated: 2021-05-10. Review status: no assertion criteria provided. Collection method: literature only. Allele origin: germline. Affected: yes. Observed: 1 homozygote. Study: Yale Center for Mendelian Genomics. Not counted in ClinVar's aggregate classification.

Literature cited by the submitters: PubMed 40368591 (cited by Dr. Oladnabi Research Group, Golestan University of Medical Sciences); PubMed 33970200 (cited by 3 submitters).

NM_032756.4(HPDL):c.3G>C (p.Met1Ile)

Genes: HPDL (4-hydroxyphenylpyruvate dioxygenase like; plus strand), LOC129930439 (ATAC-STARR-seq lymphoblastoid active region 964; plus strand). Cytogenetic location: 1p34.1.
Variant type: single nucleotide variant.
Coding change: c.3G>C on transcript NM_032756.4 (MANE Select); coding-DNA position 3, G replaced by C.
Protein change: p.Met1Ile; changes the start codon (methionine 1).
Molecular consequence: missense variant, initiator codon variant.
Genome position (GRCh38, 1-based): chr1:45,327,151, G>C. VCF-style: chr1-45327151-G-C. GRCh37 (hg19) VCF-style: chr1-45792823-G-C.
Other names: c.3G>C (NM_032756.2); short protein forms M1I.
Identifiers: ClinVar variation 1344855 (VCV001344855.7), dbSNP rs777607274, ClinGen allele CA826171.